The following is an entry in ClinVar:

ClinVar aggregate classification (germline): Uncertain significance. Review status: criteria provided, multiple submitters, no conflicts (2 of 4 stars). 2 submissions from 2 submitters: Uncertain significance (2). Last evaluated 2023-10-05.

Conditions:
Inborn genetic diseases. Identifiers: MedGen C0950123, MeSH D030342.

Allele frequency attached by ClinVar (database versions not stated): gnomAD exomes below 0.00001; gnomAD 0.00001; ExAC 0.00002; TOPMed 0.00002.
gnomAD v4.1: 11 of 1,613,950 alleles (0.00068%); highest among the groups gnomAD compares: East Asian, 0.013%; no homozygotes.

Submissions (2):

Ambry Genetics
Classification: Uncertain significance for Inborn genetic diseases. Last evaluated: 2023-10-05. Review status: criteria provided, single submitter. Criteria: Ambry Variant Classification Scheme 2023. Collection method: clinical testing. Allele origin: germline.

Labcorp Genetics (formerly Invitae), Labcorp
Classification: Uncertain significance. Last evaluated: 2022-03-25. Review status: criteria provided, single submitter. Criteria: Invitae Variant Classification Sherloc (09022015). Collection method: clinical testing. Allele origin: germline.
Comment: This sequence change replaces glycine, which is neutral and non-polar, with aspartic acid, which is acidic and polar, at codon 2104 of the FAT4 protein (p.Gly2104Asp). This variant is present in population databases (rs780082117, gnomAD 0.02%). This variant has not been reported in the literature in individuals affected with FAT4-related conditions. Algorithms developed to predict the effect of missense changes on protein structure and function (SIFT, PolyPhen-2, Align-GVGD) all suggest that this variant is likely to be disruptive. In summary, the available evidence is currently insufficient to determine the role of this variant in disease. Therefore, it has been classified as a Variant of Uncertain Significance.

NM_001291303.3(FAT4):c.6311G>A (p.Gly2104Asp)

Gene: FAT4 (FAT atypical cadherin 4; plus strand). Cytogenetic location: 4q28.1.
Variant type: single nucleotide variant.
Coding change: c.6311G>A on transcript NM_001291303.3 (MANE Select); coding-DNA position 6311, G replaced by A.
Protein change: p.Gly2104Asp; replaces glycine 2104 with aspartic acid.
Molecular consequence: missense variant.
Genome position (GRCh38, 1-based): chr4:125,415,274, G>A. VCF-style: chr4-125415274-G-A. GRCh37 (hg19) VCF-style: chr4-126336429-G-A.
Other names: c.6311G>A, p.Gly2104Asp (NM_001291285.3, NM_024582.6); c.6311G>A (NM_024582.4); short protein forms G2104D.
Identifiers: ClinVar variation 1936132 (VCV001936132.3), dbSNP rs780082117, ClinGen allele CA3072900.